The following is an entry in ClinVar:

NM_000128.4(F11):c.1325del (p.Leu442fs)

Gene: F11 (coagulation factor XI; plus strand). Cytogenetic location: 4q35.2.
Variant type: Deletion.
Coding change: c.1325del on transcript NM_000128.4 (MANE Select); coding-DNA position 1325, one base deleted (T; older notation c.1325delT).
Protein change: p.Leu442fs; shifts the reading frame from leucine 442.
Molecular consequence: frameshift variant.
Genome position (GRCh38, 1-based): chr4:186,285,658, T deleted; the last of 4 consecutive T bases (chr4:186,285,655-186,285,658); deleting any one gives the same sequence. VCF-style (leftmost placement, unchanged base first): chr4-186285654-AT-A. GRCh37 (hg19) VCF-style: chr4-187206808-AT-A.
Other names: c.1325delT (NM_000128.3); short protein forms L442fs.
Identifiers: ClinVar variation 348378 (VCV000348378.28), dbSNP rs757530565, ClinGen allele CA3163964.

ClinVar aggregate classification (germline): Pathogenic. Review status: criteria provided, multiple submitters, no conflicts (2 of 4 stars). 4 submissions from 4 submitters: Pathogenic (4). Last evaluated 2026-01-06.

Conditions:
Hereditary factor XI deficiency disease. Also called: Congenital factor XI deficiency; PLASMA THROMBOPLASTIN ANTECEDENT DEFICIENCY; PTA DEFICIENCY; ROSENTHAL SYNDROME. Identifiers: Orphanet 329, MedGen C0015523, MeSH D005173, MONDO:0012897, OMIM 612416.
Plasma factor XI deficiency.

Submissions (4):

Natera, Inc.
Classification: Pathogenic for Plasma factor XI deficiency. Last evaluated: 2026-01-06. Review status: criteria provided, single submitter. Criteria: Natera Variant Classification Schema (03/2026). Collection method: clinical testing. Allele origin: germline.
Comment: The c.1325delT variant in F11 is a frameshift variant predicted to shift the reading frame beginning at codon 442 and leads to a stop codon 8 codons downstream. This variant is expected to result in nonsense mediated decay, truncation, or a dysfunctional protein product. This variant is rare in the general population with a frequency below the threshold expected for the associated phenotype(s). This variant has been observed in one or more individuals affected with the associated recessive disease, as either homozygous or compound heterozygous with a second variant (PMID: 32333264). Given the available evidence, this variant is classified as Pathogenic.

Labcorp Genetics (formerly Invitae), Labcorp
Classification: Pathogenic. Last evaluated: 2024-01-24. Review status: criteria provided, single submitter. Criteria: Invitae Variant Classification Sherloc (09022015). Collection method: clinical testing. Allele origin: germline.
Comment: This sequence change creates a premature translational stop signal (p.Leu442Cysfs*8) in the F11 gene. It is expected to result in an absent or disrupted protein product. Loss-of-function variants in F11 are known to be pathogenic (PMID: 23929304). This variant is present in population databases (rs757530565, gnomAD 0.06%). This premature translational stop signal has been observed in individual(s) with autosomal recessive factor XI deficiency (PMID: 27067486). ClinVar contains an entry for this variant (Variation ID: 348378). Algorithms developed to predict the effect of sequence changes on RNA splicing suggest that this variant may disrupt the consensus splice site. For these reasons, this variant has been classified as Pathogenic.

NIHR Bioresource Rare Diseases, University of Cambridge
Classification: Pathogenic for Hereditary factor XI deficiency disease. Last evaluated: 2019-02-01. Review status: criteria provided, single submitter. Criteria: ACMG Guidelines, 2015. Collection method: research. Allele origin: unknown. Affected: yes. Observed: 1 heterozygote. Study: ThromboGenomics.

Juno Genomics, Hangzhou Juno Genomics, Inc
Classification: Pathogenic for Hereditary factor XI deficiency disease. Review status: criteria provided, single submitter. Criteria: ACMG Guidelines, 2015. Collection method: clinical testing. Allele origin: germline.
Comment: Absent from controls (or at extremely low frequency if recessive) in Genome Aggregation Database.;Null variant in a gene where loss of function (LOF) is a known mechanism of disease.;For recessive disorders, detected in trans with a pathogenic variant.

Literature cited by the submitters: PubMed 32333264 (cited by Natera, Inc.); PubMed 23929304 (cited by Labcorp Genetics (formerly Invitae), Labcorp); PubMed 27067486 (cited by Labcorp Genetics (formerly Invitae), Labcorp); PubMed 31064749 (cited by NIHR Bioresource Rare Diseases, University of Cambridge).